The following is an entry in ClinVar:

ClinVar aggregate classification (germline): Uncertain significance (0 of 4 stars; one submission).

Conditions:
Multiple endocrine neoplasia, type 1 (MEN1). Also called: MEA I; MEN I; WERMER SYNDROME; Endocrine adenomatosis multiple; MEN 1. Identifiers: Orphanet 652, MedGen C0025267, MeSH D018761, MONDO:0007540, OMIM 131100.

Submission:

Cancer Genetics and Diagnostic Laboratory, The Kolling Institute
Classification: Uncertain significance for Multiple endocrine neoplasia, type 1. Last evaluated: 2026-04-07. Review status: no assertion criteria provided. Collection method: research. Allele origin: germline. Affected: yes.
Comment: The MEN1 c.1292T>C variant is a single nucleotide change in exon 9/10 of the MEN1 gene, which is predicted to change the amino acid valine at position 431 in the protein to alanine. This variant is absent from population databases (gnomAD v4.1.0) (PM2_Supporting). Computational predictions support a deleterious effect on the gene or gene product (REVEL 0.898) (PP3). The clinical features of this case are highly specific for the MEN1 gene (PP4). In summary, the variant meets criteria to be classified as a variant of uncertain significance (VUS) for MEN1 based on the ACMG/AMP criteria applied: PM2_Supporting, PP3, PP4.

NM_001370259.2(MEN1):c.1292T>C (p.Val431Ala)

Gene: MEN1 (menin 1; minus strand). Cytogenetic location: 11q13.1.
Variant type: single nucleotide variant.
Coding change: c.1292T>C on transcript NM_001370259.2 (MANE Select); coding-DNA position 1292, T replaced by C.
Protein change: p.Val431Ala; replaces valine 431 with alanine.
Molecular consequence: missense variant. On other transcripts: non-coding transcript variant (4), intron variant (1).
Genome position (GRCh38, 1-based): chr11:64,805,092, A>G on the plus strand (T>C on the coding strand, the complement: MEN1 is on the minus strand). VCF-style: chr11-64805092-A-G. GRCh37 (hg19) VCF-style: chr11-64572564-A-G.
Other names: c.1292T>C, p.Val431Ala (NM_130799.3, NM_001407146.1, NM_001407147.1 and 2 more transcripts); c.1307T>C, p.Val436Ala (NM_130800.3, NM_130801.3, NM_130802.3 and 4 more transcripts); c.1186-276T>C (NM_001407152.1); c.1418T>C, p.Val473Ala (NM_001407143.1, NM_001407144.1, NM_001370251.2 and 1 more transcripts); c.1187T>C, p.Val396Ala (NM_001407148.1, NM_001407149.1, NM_001370262.2 and 1 more transcripts); c.1433T>C, p.Val478Ala (NM_001407150.1); c.1313T>C, p.Val438Ala (NM_001407151.1); short protein forms V396A, V431A, V436A, V438A, V473A, V478A.
Identifiers: ClinVar variation 4850490 (VCV004850490.1).
Genomic context (GRCh38, chr11:64,805,092, plus strand): 5'-ACCTGTCCCTCAAAACGGCCTAGGGACTGCACAAGAAAGGTGGCCCAGCCCACATGCAGC[A>G]CAGGCGTGGGACTGCCCTCCTCCCATTTGCAGATGCCGTCGTAGAATCGCAGCAGGTGGG-3'
Protein context (NP_001357188.2, residues 421-441): CKWEEGSPTP[Val431Ala]LHVGWATFLV